The following is an entry in ClinVar:

NM_001378964.1(CDON):c.1051C>G (p.Pro351Ala)

Gene: CDON (cell adhesion associated, oncogene regulated; minus strand). Cytogenetic location: 11q24.2.
Variant type: single nucleotide variant.
Coding change: c.1051C>G on transcript NM_001378964.1 (MANE Select); coding-DNA position 1051, C replaced by G.
Protein change: p.Pro351Ala; replaces proline 351 with alanine.
Molecular consequence: missense variant.
Genome position (GRCh38, 1-based): chr11:126,015,388, G>C on the plus strand (C>G on the coding strand, the complement: CDON is on the minus strand). VCF-style: chr11-126015388-G-C. GRCh37 (hg19) VCF-style: chr11-125885283-G-C.
Other names: c.1051C>G, p.Pro351Ala (NM_001243597.3, NM_016952.6); short protein forms P351A.
Identifiers: ClinVar variation 260781 (VCV000260781.24), dbSNP rs35665264, ClinGen allele CA6352172.

ClinVar aggregate classification (germline): Benign/Likely benign. Review status: criteria provided, multiple submitters, no conflicts (2 of 4 stars). 6 submissions from 6 submitters: Benign (5); Likely benign (1). Last evaluated 2026-01-28.

Conditions:
Holoprosencephaly 11 (HPE11). Identifiers: Orphanet 2162, MedGen C3280215, MONDO:0013642, OMIM 614226.

Allele frequency attached by ClinVar (database versions not stated): ExAC 0.00481; gnomAD 0.01482 and 0.01595; 1000 Genomes Project 0.01498; 1000 Genomes Project 30x 0.01608; TOPMed 0.01701; ESP Exome Variant Server 0.01869.
gnomAD v4.1: 4,482 of 1,614,146 alleles (0.28%); highest among the groups gnomAD compares: African/African-American, 5%; 87 homozygotes.

Submissions (6):

Labcorp Genetics (formerly Invitae), Labcorp
Classification: Benign for Holoprosencephaly 11. Last evaluated: 2026-01-28. Review status: criteria provided, single submitter. Criteria: Invitae Variant Classification Sherloc (09022015). Collection method: clinical testing. Allele origin: germline.

ARUP Laboratories, Molecular Genetics and Genomics, ARUP Laboratories
Classification: Benign for Holoprosencephaly 11. Last evaluated: 2023-08-23. Review status: criteria provided, single submitter. Criteria: ARUP Molecular Germline Variant Investigation Process 2024. Collection method: clinical testing. Allele origin: germline.

GeneDx
Classification: Likely benign. Last evaluated: 2022-09-26. Review status: criteria provided, single submitter. Criteria: GeneDx Variant Classification Process June 2021. Collection method: clinical testing. Allele origin: germline. Affected: yes.
Comment: See Variant Classification Assertion Criteria.

Illumina Laboratory Services, Illumina
Classification: Benign for Holoprosencephaly 11. Last evaluated: 2018-01-13. Review status: criteria provided, single submitter. Criteria: ICSL Variant Classification Criteria 13 December 2019. Collection method: clinical testing. Allele origin: germline.
Comment: This variant was observed in the ICSL laboratory as part of a predisposition screen in an ostensibly healthy population. It had not been previously curated by ICSL or reported in the Human Gene Mutation Database (HGMD: prior to June 1st, 2018), and was therefore a candidate for classification through an automated scoring system. Utilizing variant allele frequency, disease prevalence and penetrance estimates, and inheritance mode, an automated score was calculated to assess if this variant is too frequent to cause the disease. Based on the score and internal cut-off values, a variant classified as benign is not then subjected to further curation. The score for this variant resulted in a classification of benign for this disease.

Breakthrough Genomics
Classification: Benign. Review status: criteria provided, single submitter. Criteria: ACMG Guidelines, 2015. Collection method: not provided. Allele origin: germline. Inheritance: Autosomal dominant inheritance. Affected: yes.

PreventionGenetics, part of Exact Sciences
Classification: Benign. Review status: criteria provided, single submitter. Criteria: ACMG Guidelines, 2015. Collection method: clinical testing. Allele origin: germline.